The following is an entry in ClinVar:

NM_001378414.1(HDAC4):c.2998A>T (p.Asn1000Tyr)

Gene: HDAC4 (histone deacetylase 4; minus strand). Cytogenetic location: 2q37.3.
Variant type: single nucleotide variant.
Coding change: c.2998A>T on transcript NM_001378414.1 (MANE Select); coding-DNA position 2998, A replaced by T.
Protein change: p.Asn1000Tyr; replaces asparagine 1000 with tyrosine.
Molecular consequence: missense variant.
Genome position (GRCh38, 1-based): chr2:239,066,727, T>A on the plus strand (A>T on the coding strand, the complement: HDAC4 is on the minus strand). VCF-style: chr2-239066727-T-A. GRCh37 (hg19) VCF-style: chr2-239988423-T-A.
Other names: c.2998A>T, p.Asn1000Tyr (NM_001378415.1); c.2983A>T, p.Asn995Tyr (NM_001378416.1, NM_001378417.1, NM_006037.4); short protein forms N1000Y, N995Y.
Identifiers: ClinVar variation 3384606 (VCV003384606.1).
Genomic context (GRCh38, chr2:239,066,727, plus strand): 5'-CAACCCCGAGCCTGTCAGTGTGGAGCATCCTGTGGGGTCTCTGGGGTCTTCCTACCTCGT[T>A]TCCCAGCAAGGCAGAAACACATGCTTCCGAGGCGTCGCAAATGGCGGTCAGGTCGTGGCC-3'
Protein context (NP_001365343.1, residues 990-1010): SEACVSALLG[Asn1000Tyr]ELDPLPEKVL

ClinVar aggregate classification (germline): Uncertain significance (1 of 4 stars; one submission).

Submission:

GeneDx
Classification: Uncertain significance. Last evaluated: 2024-06-06. Review status: criteria provided, single submitter. Criteria: GeneDx Variant Classification Process June 2021. Collection method: clinical testing. Allele origin: germline. Affected: yes.
Comment: Not observed at significant frequency in large population cohorts (gnomAD); In silico analysis supports that this missense variant has a deleterious effect on protein structure/function; Has not been previously published as pathogenic or benign to our knowledge